The following is an entry in ClinVar:

NM_004655.4(AXIN2):c.2219C>G (p.Pro740Arg)

Gene: AXIN2 (axin 2; minus strand). Cytogenetic location: 17q24.1.
Variant type: single nucleotide variant.
Coding change: c.2219C>G on transcript NM_004655.4 (MANE Select); coding-DNA position 2219, C replaced by G.
Protein change: p.Pro740Arg; replaces proline 740 with arginine.
Molecular consequence: missense variant.
Genome position (GRCh38, 1-based): chr17:65,535,644, G>C on the plus strand (C>G on the coding strand, the complement: AXIN2 is on the minus strand). VCF-style: chr17-65535644-G-C. GRCh37 (hg19) VCF-style: chr17-63531762-G-C.
Other names: c.2219C>G (LRG_296t1); c.2024C>G, p.Pro675Arg (NM_001363813.1); short protein forms P740R, P675R.
Identifiers: ClinVar variation 576269 (VCV000576269.16), dbSNP rs747903181, ClinGen allele CA8718372.
Genomic context (GRCh38, chr17:65,535,644, plus strand): 5'-AGCACTCGGCAGATCTCAGTAATGTCAGGTAAAGACACTCACTCTTCTGGAGCCAGGCTT[G>C]GATTGGAGAAGGGTGTGGCTCCCGTCTGAACAGTGGCCGAATGATTCCTGTCCCTCTGCT-3'
Protein context (NP_004646.3, residues 730-750): VQTGATPFSN[Pro740Arg]SLAPEDHKEP

ClinVar aggregate classification (germline): Uncertain significance. Review status: criteria provided, multiple submitters, no conflicts (2 of 4 stars). 4 submissions from 4 submitters: Uncertain significance (4). Last evaluated 2025-09-25.

Conditions:
Hereditary cancer-predisposing syndrome. Also called: Neoplastic Syndromes, Hereditary; Tumor predisposition; Hereditary Cancer Syndrome; Hereditary neoplastic syndrome. Identifiers: Orphanet 140162, MedGen C0027672, MeSH D009386, MONDO:0015356.
Oligodontia-cancer predisposition syndrome. Also called: TOOTH AGENESIS-COLORECTAL CANCER SYNDROME. Identifiers: Orphanet 300576, MedGen C1837750, MONDO:0012075, OMIM 608615. Disease mechanism: loss of function.
Colorectal cancer. Also called: Malignant Colorectal Neoplasm; Colorectal cancer, somatic. Identifiers: MedGen C0346629, MONDO:0005575, OMIM 114500.
AXIN2-related disorder.

Allele frequency attached by ClinVar (database versions not stated): gnomAD exomes below 0.00001; ExAC 0.00001; gnomAD 0.00001; TOPMed 0.00001.

Submissions (4):

Ambry Genetics
Classification: Uncertain significance for Hereditary cancer-predisposing syndrome. Last evaluated: 2025-09-25. Review status: criteria provided, single submitter. Criteria: Ambry Variant Classification Scheme 2023. Collection method: clinical testing. Allele origin: germline.
Comment: The p.P740R variant (also known as c.2219C>G), located in coding exon 8 of the AXIN2 gene, results from a C to G substitution at nucleotide position 2219. The proline at codon 740 is replaced by arginine, an amino acid with dissimilar properties. This amino acid position is not well conserved in available vertebrate species. In addition, this alteration is predicted to be tolerated by in silico analysis. Since supporting evidence is limited at this time, the clinical significance of this alteration remains unclear.

Labcorp Genetics (formerly Invitae), Labcorp
Classification: Uncertain significance for Oligodontia-cancer predisposition syndrome. Last evaluated: 2025-02-10. Review status: criteria provided, single submitter. Criteria: Invitae Variant Classification Sherloc (09022015). Collection method: clinical testing. Allele origin: germline.
Comment: This sequence change replaces proline, which is neutral and non-polar, with arginine, which is basic and polar, at codon 740 of the AXIN2 protein (p.Pro740Arg). This variant is present in population databases (rs747903181, gnomAD 0.0009%). This variant has not been reported in the literature in individuals affected with AXIN2-related conditions. ClinVar contains an entry for this variant (Variation ID: 576269). An algorithm developed to predict the effect of missense changes on protein structure and function (PolyPhen-2) suggests that this variant is likely to be tolerated. In summary, the available evidence is currently insufficient to determine the role of this variant in disease. Therefore, it has been classified as a Variant of Uncertain Significance.

PreventionGenetics, part of Exact Sciences
Classification: Uncertain significance for AXIN2-related condition. Last evaluated: 2024-11-25. Review status: criteria provided, single submitter. Criteria: ACMG Guidelines, 2015. Collection method: clinical testing. Allele origin: germline.
Comment: The AXIN2 c.2219C>G variant is predicted to result in the amino acid substitution p.Pro740Arg. To our knowledge, this variant has not been reported in the literature. This variant is reported in 1 of ~251,000 alleles in gnomAD. It is interpreted as a variant of uncertain significance in ClinVar. At this time, the clinical significance of this variant is uncertain due to the absence of conclusive functional and genetic evidence.

Baylor Genetics
Classification: Uncertain significance for Colorectal cancer. Last evaluated: 2024-03-22. Review status: criteria provided, single submitter. Criteria: ACMG Guidelines, 2015. Collection method: clinical testing. Allele origin: unknown.